The following is an entry in ClinVar:

NM_033028.5(BBS4):c.1236A>T (p.Glu412Asp)

Gene: BBS4 (Bardet-Biedl syndrome 4; plus strand). Cytogenetic location: 15q24.1.
Variant type: single nucleotide variant.
Coding change: c.1236A>T on transcript NM_033028.5 (MANE Select); coding-DNA position 1236, A replaced by T.
Protein change: p.Glu412Asp; replaces glutamic acid 412 with aspartic acid.
Molecular consequence: missense variant. On other transcripts: non-coding transcript variant (2).
Genome position (GRCh38, 1-based): chr15:72,735,954, A>T. VCF-style: chr15-72735954-A-T. GRCh37 (hg19) VCF-style: chr15-73028295-A-T.
Other names: c.720A>T, p.Glu240Asp (NM_001252678.2); c.1167A>T, p.Glu389Asp (NM_001320665.2); short protein forms E412D, E240D, E389D.
Identifiers: ClinVar variation 262136 (VCV000262136.65), dbSNP rs147202164, ClinGen allele CA7646955.

ClinVar aggregate classification (germline): Benign/Likely benign. Review status: criteria provided, multiple submitters, no conflicts (2 of 4 stars). 9 submissions from 9 submitters: Benign (2); Likely benign (4). 3 of the submissions do not count toward it. Last evaluated 2026-01-28.

Conditions:
Bardet-Biedl syndrome (BBS). Identifiers: Orphanet 110, MedGen C0752166, MONDO:0015229.
Bardet-Biedl syndrome 4 (BBS4). Identifiers: Orphanet 110, MedGen C2936864, MONDO:0014433, OMIM 615982.

Allele frequency attached by ClinVar (database versions not stated): gnomAD 0.00063 and 0.00088; TOPMed 0.00078; ESP Exome Variant Server 0.00100; gnomAD exomes 0.00121 and 0.00166; ExAC 0.00171; 1000 Genomes Project 30x 0.00203; 1000 Genomes Project 0.00220.
gnomAD v4.1: 1,913 of 1,614,128 alleles (0.12%); highest among the groups gnomAD compares: Middle Eastern, 0.83%; 13 homozygotes.

Submissions (9):

Labcorp Genetics (formerly Invitae), Labcorp
Classification: Benign for Bardet-Biedl syndrome. Last evaluated: 2026-01-28. Review status: criteria provided, single submitter. Criteria: Invitae Variant Classification Sherloc (09022015). Collection method: clinical testing. Allele origin: germline.

Blueprint Genetics
Classification: Likely benign. Last evaluated: 2024-11-26. Review status: criteria provided, single submitter. Criteria: ACMG Guidelines, 2015. Collection method: clinical testing. Allele origin: germline.

CeGaT Center for Human Genetics Tuebingen
Classification: Likely benign. Last evaluated: 2024-09-01. Review status: criteria provided, single submitter. Criteria: CeGaT Center For Human Genetics Tuebingen Variant Classification Criteria Version 2. Collection method: clinical testing. Allele origin: germline. Affected: yes. Observed: 3 variant alleles.
Comment: BBS4: BP4, BS2

Illumina Laboratory Services, Illumina
Classification: Likely benign for Bardet-Biedl syndrome 4. Last evaluated: 2018-04-13. Review status: criteria provided, single submitter. Criteria: ICSL Variant Classification Criteria 13 December 2019. Collection method: clinical testing. Allele origin: germline.
Comment: This variant was observed as part of a predisposition screen in an ostensibly healthy population. A literature search was performed for the gene, cDNA change, and amino acid change (where applicable). Publications were found based on this search. The evidence from the literature, in combination with allele frequency data from public databases where available, was sufficient to determine this variant is unlikely to cause disease. Therefore, this variant is classified as likely benign.

Eurofins Ntd Llc (ga)
Classification: Benign. Last evaluated: 2016-02-04. Review status: criteria provided, single submitter. Criteria: EGL Classification Definitions 2015. Collection method: clinical testing. Allele origin: germline. Observed: 1 variant allele, 1 heterozygote.

PreventionGenetics, part of Exact Sciences
Classification: Likely benign. Review status: criteria provided, single submitter. Criteria: ACMG Guidelines, 2015. Collection method: clinical testing. Allele origin: germline.

Clinical Genetics DNA and cytogenetics Diagnostics Lab, Erasmus MC, Erasmus Medical Center
Classification: Likely benign. Review status: no assertion criteria provided. Collection method: clinical testing. Allele origin: germline. Affected: yes. Study: VKGL Data-share Consensus. Not counted in ClinVar's aggregate classification.

Clinical Genetics, Academic Medical Center
Classification: Benign. Review status: no assertion criteria provided. Collection method: clinical testing. Allele origin: germline. Affected: yes. Study: VKGL Data-share Consensus. Not counted in ClinVar's aggregate classification.

Genome Diagnostics Laboratory, University Medical Center Utrecht
Classification: Likely benign. Review status: no assertion criteria provided. Collection method: clinical testing. Allele origin: germline. Affected: yes. Study: VKGL Data-share Consensus. Not counted in ClinVar's aggregate classification.

Literature cited by the submitters: PubMed 21344540 (cited by Illumina Laboratory Services, Illumina).